The following is an entry in ClinVar:

ClinVar aggregate classification (germline): Uncertain significance (1 of 4 stars; one submission).

Submission:

Athena Diagnostics
Classification: Uncertain significance. Last evaluated: 2025-04-03. Review status: criteria provided, single submitter. Criteria: Athena Diagnostics Criteria. Collection method: clinical testing. Allele origin: unknown.
Comment: Available data are insufficient to determine the clinical significance of the variant at this time. This variant has not been reported in large, multi-ethnic general populations. Polyphen and MutationTaster yielded discordant predictions regarding whether this amino acid change is damaging to the protein.

NM_001127222.2(CACNA1A):c.5271G>T (p.Trp1757Cys)

Gene: CACNA1A (calcium voltage-gated channel subunit alpha1 A; minus strand). Cytogenetic location: 19p13.13.
Variant type: single nucleotide variant.
Coding change: c.5271G>T on transcript NM_001127222.2 (MANE Select); coding-DNA position 5271, G replaced by T.
Protein change: p.Trp1757Cys; replaces tryptophan 1757 with cysteine.
Molecular consequence: missense variant.
Genome position (GRCh38, 1-based): chr19:13,231,839, C>A on the plus strand (G>T on the coding strand, the complement: CACNA1A is on the minus strand). VCF-style: chr19-13231839-C-A. GRCh37 (hg19) VCF-style: chr19-13342653-C-A.
Other names: c.5289G>T, p.Trp1763Cys (NM_000068.4, NM_023035.3); c.5274G>T, p.Trp1758Cys (NM_001127221.2); c.5280G>T, p.Trp1760Cys (NM_001174080.2); short protein forms W1757C, W1758C, W1760C, W1763C.
Identifiers: ClinVar variation 4682350 (VCV004682350.1).